The following is an entry in ClinVar:

NM_030777.4(SLC2A10):c.635G>C (p.Gly212Ala)

Gene: SLC2A10 (solute carrier family 2 member 10; plus strand). Cytogenetic location: 20q13.12.
Variant type: single nucleotide variant.
Coding change: c.635G>C on transcript NM_030777.4 (MANE Select); coding-DNA position 635, G replaced by C.
Protein change: p.Gly212Ala; replaces glycine 212 with alanine.
Molecular consequence: missense variant.
Genome position (GRCh38, 1-based): chr20:46,725,671, G>C. VCF-style: chr20-46725671-G-C. GRCh37 (hg19) VCF-style: chr20-45354310-G-C.
Other names: p.G212A:GGG>GCG; short protein forms G212A.
Identifiers: ClinVar variation 213715 (VCV000213715.1), dbSNP rs863223730, ClinGen allele CA322344.

ClinVar aggregate classification (germline): Likely benign (1 of 4 stars; one submission).

Submission:

GeneDx
Classification: Likely benign. Last evaluated: 2014-08-21. Review status: criteria provided, single submitter. Criteria: GeneDx Variant Classification (06012015). Collection method: clinical testing. Allele origin: germline. Affected: yes.
Comment: This variant is considered likely benign or benign based on one or more of the following criteria: it is a conservative change, it occurs at a poorly conserved position in the protein, it is predicted to be benign by multiple in silico algorithms, and/or has population frequency not consistent with disease.